The following is an entry in ClinVar:

NM_133638.6(ADAMTS19):c.2194T>A (p.Phe732Ile)

Gene: ADAMTS19 (ADAM metallopeptidase with thrombospondin type 1 motif 19; plus strand). Cytogenetic location: 5q23.3.
Variant type: single nucleotide variant.
Coding change: c.2194T>A on transcript NM_133638.6 (MANE Select); coding-DNA position 2194, T replaced by A.
Protein change: p.Phe732Ile; replaces phenylalanine 732 with isoleucine.
Molecular consequence: missense variant.
Genome position (GRCh38, 1-based): chr5:129,654,323, T>A. VCF-style: chr5-129654323-T-A. GRCh37 (hg19) VCF-style: chr5-128990016-T-A.
Other names: short protein forms F732I.
Identifiers: ClinVar variation 3029161 (VCV003029161.2), dbSNP rs768593769, ClinGen allele CA3397654.

ClinVar aggregate classification (germline): Uncertain significance (0 of 4 stars; one submission).

Conditions:
ADAMTS19-related disorder. Also called: ADAMTS19-related condition.

Allele frequency attached by ClinVar (database versions not stated): ExAC 0.00001; gnomAD 0.00001; TOPMed 0.00001; gnomAD exomes 0.00002.
gnomAD v4.1: 22 of 1,611,384 alleles (0.0014%); highest among the groups gnomAD compares: Non-Finnish European, 0.0018%; no homozygotes.

Submission:

PreventionGenetics, part of Exact Sciences
Classification: Uncertain significance for ADAMTS19-related condition. Last evaluated: 2023-11-28. Review status: no assertion criteria provided. Collection method: clinical testing. Allele origin: germline.
Comment: The ADAMTS19 c.2194T>A variant is predicted to result in the amino acid substitution p.Phe732Ile. To our knowledge, this variant has not been reported in the literature. This variant is reported in 0.0023% of alleles in individuals of European (Non-Finnish) descent in gnomAD. At this time, the clinical significance of this variant is uncertain due to the absence of conclusive functional and genetic evidence.